The following is an entry in ClinVar:

ClinVar aggregate classification (germline): Likely pathogenic (1 of 4 stars; one submission).

Conditions:
Dilated cardiomyopathy 1G (CMD1G). Identifiers: Orphanet 154, MedGen C1858763, MONDO:0011400, OMIM 604145.
Autosomal recessive limb-girdle muscular dystrophy type 2J (LGMDR10). Also called: Limb-girdle muscular dystrophy, type 2J; MUSCULAR DYSTROPHY, LIMB-GIRDLE, AUTOSOMAL RECESSIVE 10. Identifiers: Orphanet 140922, MedGen C1837342, MONDO:0012127, OMIM 608807.

Submission:

Labcorp Genetics (formerly Invitae), Labcorp
Classification: Likely pathogenic for Dilated cardiomyopathy 1G; Autosomal recessive limb-girdle muscular dystrophy type 2J. Last evaluated: 2024-09-22. Review status: criteria provided, single submitter. Criteria: Invitae Variant Classification Sherloc (09022015). Collection method: clinical testing. Allele origin: germline.
Comment: This sequence change creates a premature translational stop signal (p.Lys519*) in the TTN gene. While this is not anticipated to result in nonsense mediated decay, it is expected to create a truncated TTN protein. This variant is not present in population databases (gnomAD no frequency). This variant has not been reported in the literature in individuals affected with TTN-related conditions. This variant is located in the Z band of TTN (PMID: 25589632). Truncating variants in this region have been reported in individuals affected with autosomal recessive centronuclear myopathy (PMID: 33449170, internal data). Truncating variants in this region have also been identified in individuals affected with autosomal dominant dilated cardiomyopathy and/or cardio-related conditions (PMID: 27869827, 32964742, internal data). In summary, the currently available evidence indicates that the variant is pathogenic, but additional data are needed to prove that conclusively. Therefore, this variant has been classified as Likely Pathogenic.

Literature cited by the submitters: PubMed 25589632; PubMed 33449170; PubMed 27869827; PubMed 32964742.

NM_001267550.2(TTN):c.1555A>T (p.Lys519Ter)

Gene: TTN (titin; minus strand). Cytogenetic location: 2q31.2.
Variant type: single nucleotide variant.
Coding change: c.1555A>T on transcript NM_001267550.2 (MANE Select); coding-DNA position 1555, A replaced by T.
Protein change: p.Lys519Ter; replaces lysine 519 with a stop codon.
Molecular consequence: nonsense.
Genome position (GRCh38, 1-based): chr2:178,792,179, T>A on the plus strand (A>T on the coding strand, the complement: TTN is on the minus strand). VCF-style: chr2-178792179-T-A. GRCh37 (hg19) VCF-style: chr2-179656906-T-A.
Other names: c.1555A>T, p.Lys519Ter (NM_001256850.1, NM_003319.4, NM_133378.4 and 3 more transcripts); short protein forms K519*.
Identifiers: ClinVar variation 3759193 (VCV003759193.2).
Genomic context (GRCh38, chr2:178,792,179, plus strand): 5'-TTCTAGTTTCTTGTTCTTTGGCTTTAGCTGCGGAAATTACTACCTTTGGTACAAATGTTT[T>A]TTCAGTTTCTTTTCTTATCTGCAAAGAATGATTTAAGAAAAAACTTTATTTCCTGATGCC-3'